The following is an entry in ClinVar:

NM_006035.4(CDC42BPB):c.1858C>T (p.Arg620Trp)

Gene: CDC42BPB (CDC42 binding protein kinase beta; minus strand). Cytogenetic location: 14q32.32.
Variant type: single nucleotide variant.
Coding change: c.1858C>T on transcript NM_006035.4 (MANE Select); coding-DNA position 1858, C replaced by T.
Protein change: p.Arg620Trp; replaces arginine 620 with tryptophan.
Molecular consequence: missense variant.
Genome position (GRCh38, 1-based): chr14:102,971,945, G>A on the plus strand (C>T on the coding strand, the complement: CDC42BPB is on the minus strand). VCF-style: chr14-102971945-G-A. GRCh37 (hg19) VCF-style: chr14-103438282-G-A.
Other names: c.1858C>T, p.Arg620Trp (NM_001411054.1); short protein forms R620W.
Identifiers: ClinVar variation 4887300 (VCV004887300.1).

ClinVar aggregate classification (germline): Uncertain significance (1 of 4 stars; one submission).

Submission:

Women's Health and Genetics/Laboratory Corporation of America, LabCorp
Classification: Uncertain significance. Last evaluated: 2026-06-12. Review status: criteria provided, single submitter. Criteria: LabCorp Variant Classification Summary - May 2015. Collection method: clinical testing. Allele origin: germline.
Comment: Variant summary: CDC42BPB c.1858C>T (p.Arg620Trp) results in a non-conservative amino acid change in the encoded protein sequence. Algorithms developed to predict the effect of missense changes on protein structure and function all suggest that this variant is likely to be disruptive. The variant was absent in 251242 control chromosomes. The available data on variant occurrences in the general population are insufficient to allow any conclusion about variant significance. To our knowledge, no occurrence of c.1858C>T in individuals affected with CDC42BPB-related conditions and no experimental evidence demonstrating its impact on protein function have been reported. No submitters have cited clinical-significance assessments for this variant to ClinVar. Based on the evidence outlined above, the variant was classified as uncertain significance.